The following is an entry in ClinVar:

NM_001367493.1(ARHGEF4):c.5025+8C>T

Gene: ARHGEF4 (Rho guanine nucleotide exchange factor 4; plus strand). Cytogenetic location: 2q21.1.
Variant type: single nucleotide variant.
Coding change: c.5025+8C>T on transcript NM_001367493.1 (MANE Select); 8 bases into the intron after coding-DNA position 5025, C replaced by T.
Molecular consequence: intron variant.
Genome position (GRCh38, 1-based): chr2:131,041,952, C>T. VCF-style: chr2-131041952-C-T. GRCh37 (hg19) VCF-style: chr2-131799525-C-T.
Other names: c.1467+8C>T (NM_015320.4); c.1356+8C>T (NM_001375901.1); c.1512+8C>T (NM_001375900.1); c.1314+8C>T (NM_001375902.1); c.1098+8C>T (NM_001375904.1); c.1257+8C>T (NM_001375903.1).
Identifiers: ClinVar variation 721099 (VCV000721099.5), dbSNP rs115246035, ClinGen allele CA1875319.

ClinVar aggregate classification (germline): Benign. Review status: criteria provided, single submitter (1 of 4 stars). 2 submissions from 2 submitters: Benign (1). 1 of the submissions does not count toward it. Last evaluated 2017-11-15.

Conditions:
ARHGEF4-related disorder. Also called: ARHGEF4-related condition.

Allele frequency attached by ClinVar (database versions not stated): gnomAD exomes 0.00056 and 0.00161; ExAC 0.00199; ESP Exome Variant Server 0.00546; gnomAD 0.00565 and 0.00607; TOPMed 0.00626; 1000 Genomes Project 0.00919; 1000 Genomes Project 30x 0.00984.
gnomAD v4.1: 1,729 of 1,609,398 alleles (0.11%); highest among the groups gnomAD compares: African/African-American, 1.9%; 15 homozygotes.

Submissions (2):

Labcorp Genetics (formerly Invitae), Labcorp
Classification: Benign. Last evaluated: 2017-11-15. Review status: criteria provided, single submitter. Criteria: Invitae Variant Classification Sherloc (09022015). Collection method: clinical testing. Allele origin: germline.

PreventionGenetics, part of Exact Sciences
Classification: Benign for ARHGEF4-related condition. Last evaluated: 2019-03-05. Review status: no assertion criteria provided. Collection method: clinical testing. Allele origin: germline. Not counted in ClinVar's aggregate classification.
Comment: This variant is classified as benign based on ACMG/AMP sequence variant interpretation guidelines (Richards et al. 2015 PMID: 25741868, with internal and published modifications).